The following is an entry in ClinVar:

ClinVar aggregate classification (germline): Pathogenic. Review status: criteria provided, multiple submitters, no conflicts (2 of 4 stars). 4 submissions from 4 submitters: Pathogenic (4). Last evaluated 2025-03-27.

Conditions:
Hereditary nonpolyposis colorectal neoplasms. Identifiers: MedGen C0009405, MeSH D003123.
Hereditary cancer-predisposing syndrome. Also called: Neoplastic Syndromes, Hereditary; Tumor predisposition; Hereditary Cancer Syndrome; Hereditary neoplastic syndrome. Identifiers: Orphanet 140162, MedGen C0027672, MeSH D009386, MONDO:0015356.
Lynch syndrome 5 (LYNCH5). Also called: Colorectal cancer, hereditary nonpolyposis, type 5; Hereditary non-polyposis colorectal cancer, type 5. Identifiers: Orphanet 144, MedGen C1833477, MONDO:0013710, OMIM 614350. Disease mechanism: loss of function.
Familial cancer of breast. Also called: BREAST CANCER, FAMILIAL; Hereditary breast cancer; hereditary breast carcinoma. Identifiers: Orphanet 227535, MedGen C0346153, MONDO:0016419, OMIM 114480. Disease mechanism: loss of function.

Submissions (4):

Myriad Genetics, Inc.
Classification: Pathogenic for Lynch syndrome 5. Last evaluated: 2025-03-27. Review status: criteria provided, single submitter. Criteria: Myriad Autosomal Dominant, Autosomal Recessive and X-Linked Classification Criteria (2023). Collection method: clinical testing. Allele origin: unknown.
Comment: This variant is considered pathogenic. This variant creates a frameshift predicted to result in premature protein truncation.

Labcorp Genetics (formerly Invitae), Labcorp
Classification: Pathogenic for Hereditary nonpolyposis colorectal neoplasms. Last evaluated: 2024-08-26. Review status: criteria provided, single submitter. Criteria: Invitae Variant Classification Sherloc (09022015). Collection method: clinical testing. Allele origin: germline.
Comment: This sequence change creates a premature translational stop signal (p.His388Profs*5) in the MSH6 gene. It is expected to result in an absent or disrupted protein product. Loss-of-function variants in MSH6 are known to be pathogenic (PMID: 18269114, 24362816). This variant is not present in population databases (gnomAD no frequency). This variant has not been reported in the literature in individuals affected with MSH6-related conditions. ClinVar contains an entry for this variant (Variation ID: 1737242). For these reasons, this variant has been classified as Pathogenic.

Ambry Genetics
Classification: Pathogenic for Hereditary cancer-predisposing syndrome. Last evaluated: 2021-12-14. Review status: criteria provided, single submitter. Criteria: Ambry Variant Classification Scheme 2023. Collection method: clinical testing. Allele origin: germline.
Comment: The c.1162dupC pathogenic mutation, located in coding exon 4 of the MSH6 gene, results from a duplication of C at nucleotide position 1162, causing a translational frameshift with a predicted alternate stop codon (p.H388Pfs*5). This variant is considered to be rare based on population cohorts in the Genome Aggregation Database (gnomAD). This alteration is expected to result in loss of function by premature protein truncation or nonsense-mediated mRNA decay. As such, this alteration is interpreted as a disease-causing mutation.

Department of Pathology and Laboratory Medicine, Sinai Health System
Classification: Pathogenic for hereditary breast carcinoma. Last evaluated: 2021-03-10. Review status: criteria provided, single submitter. Criteria: ACMG Guidelines, 2015. Collection method: clinical testing. Allele origin: germline. Affected: no.

Literature cited by the submitters: PubMed 18269114 (cited by Labcorp Genetics (formerly Invitae), Labcorp); PubMed 24362816 (cited by Labcorp Genetics (formerly Invitae), Labcorp).

NM_000179.3(MSH6):c.1162dup (p.His388fs)

Gene: MSH6 (mutS homolog 6; plus strand). Cytogenetic location: 2p16.3.
Variant type: Duplication.
Coding change: c.1162dup on transcript NM_000179.3 (MANE Select); coding-DNA position 1162, one base duplicated (C; older notation c.1162dupC).
Protein change: p.His388fs; shifts the reading frame from histidine 388.
Molecular consequence: frameshift variant.
Genome position (GRCh38, 1-based): chr2:47,799,145, C duplicated. VCF-style (leftmost placement, unchanged base first): chr2-47799144-T-TC. GRCh37 (hg19) VCF-style: chr2-48026283-T-TC.
Other names: c.772dup, p.His258fs (NM_001281492.2); c.256dup, p.His86fs (NM_001281493.2, NM_001281494.2); c.1258dup, p.His420Profs (NM_001406795.1, NM_001406802.1); c.1162dup, p.His388Profs (NM_001406796.1, NM_001406798.1, NM_001406800.1 and 4 more transcripts); c.865dup, p.His289Profs (NM_001406797.1, NM_001406801.1, NM_001406805.1 and 10 more transcripts); c.637dup, p.His213Profs (NM_001406799.1, NM_001406806.1, NM_001406807.1); c.1084dup, p.His362Profs (NM_001406804.1); c.256dup, p.His86Profs (NM_001406811.1, NM_001406812.1, NM_001406814.1 and 4 more transcripts); and 3 more; short protein forms H258fs, H388fs, H86fs.
Identifiers: ClinVar variation 1737242 (VCV001737242.7), dbSNP rs2530593620, ClinGen allele CA2517736974.
Genomic context (GRCh38, chr2:47,799,144, plus strand): 5'-TGAAACTTTAGAATGGCTTAAGGAGGAAAAGAGAAGAGATGAGCACAGGAGGAGGCCTGA[T>TC]CACCCCGATTTTGATGCATCTACACTCTATGTGCCTGAGGATTTCCTCAATTCTTGTACT-3'